The following is an entry in ClinVar:

ClinVar aggregate classification (germline): Pathogenic/Likely pathogenic. Review status: criteria provided, multiple submitters, no conflicts (2 of 4 stars). 3 submissions from 3 submitters: Pathogenic (1); Likely pathogenic (2). Last evaluated 2025-04-07.

Conditions:
Leber congenital amaurosis 4 (LCA4). Identifiers: MedGen C1858386, MONDO:0011458, OMIM 604393.
Autosomal recessive AIPL1-related disorders.

Allele frequency attached by ClinVar (database versions not stated): gnomAD exomes below 0.00001; gnomAD 0.00001; TOPMed 0.00001.

Submissions (3):

Variantyx, Inc.
Classification: Pathogenic for Autosomal recessive AIPL1-related disorders. Last evaluated: 2025-04-07. Review status: criteria provided, single submitter. Criteria: Variantyx Assertion Criteria 2022. Collection method: clinical testing. Allele origin: germline. Inheritance: Semidominant inheritance. Affected: no.
Comment: This is a canonical splicing variant in the AIPL1 gene (OMIM: 604392). Pathogenic variants in this gene have been associated with autosomal semidominant AIPL1-related disorders. This variant has been identified in the homozygous or compound heterozygous state in at least 2 individuals reported in the published literature (PMID: 31816670, 38880373) (PM3). The alteration has a 0.0022% maximum allele frequency in non-founder control populations (PM2). Based on the current evidence, this variant is classified as pathogenic for autosomal semidominant AIPL1-related disorders.

GeneDx
Classification: Likely pathogenic. Last evaluated: 2023-07-03. Review status: criteria provided, single submitter. Criteria: GeneDx Variant Classification Process June 2021. Collection method: clinical testing. Allele origin: germline. Affected: yes.
Comment: Identified in another patient with LCA in published literature, but it is unknown whether this individual had a second AIPL1 variant or a variant in another gene associated with Leber congenital amaurosis (Stone et al., 2007); Canonical splice site variant predicted to result in an in-frame loss of the adjacent exon in a gene for which loss of function is a known mechanism of disease; This variant is associated with the following publications: (PMID: 25525159, 31816670, 31964843, 17964524)

Labcorp Genetics (formerly Invitae), Labcorp
Classification: Likely pathogenic for Leber congenital amaurosis 4. Last evaluated: 2021-09-05. Review status: criteria provided, single submitter. Criteria: Invitae Variant Classification Sherloc (09022015). Collection method: clinical testing. Allele origin: germline.
Comment: In summary, the currently available evidence indicates that the variant is pathogenic, but additional data are needed to prove that conclusively. Therefore, this variant has been classified as Likely Pathogenic. Algorithms developed to predict the effect of sequence changes on RNA splicing suggest that this variant may disrupt the consensus splice site. This variant is also known as IVS3+1G>A. Disruption of this splice site has been observed in individual(s) with Leber congenital amaurosis (PMID: 17964524). This variant is not present in population databases (ExAC no frequency). This sequence change affects a donor splice site in intron 3 of the AIPL1 gene. It is expected to disrupt RNA splicing. Variants that disrupt the donor or acceptor splice site typically lead to a loss of protein function (PMID: 16199547), and loss-of-function variants in AIPL1 are known to be pathogenic (PMID: 10615133, 15249368, 15347646).

Literature cited by the submitters: PubMed 10615133 (cited by Variantyx, Inc. and Labcorp Genetics (formerly Invitae), Labcorp); PubMed 15249368 (cited by Variantyx, Inc. and Labcorp Genetics (formerly Invitae), Labcorp); PubMed 15347646 (cited by Variantyx, Inc. and Labcorp Genetics (formerly Invitae), Labcorp); PubMed 31816670 (cited by Variantyx, Inc.); PubMed 38880373 (cited by Variantyx, Inc.); PubMed 17964524 (cited by Labcorp Genetics (formerly Invitae), Labcorp); PubMed 16199547 (cited by Labcorp Genetics (formerly Invitae), Labcorp).

NM_014336.5(AIPL1):c.465+1G>A

Gene: AIPL1 (AIP like 1 HSP90 co-chaperone; minus strand). Cytogenetic location: 17p13.2.
Variant type: single nucleotide variant.
Coding change: c.465+1G>A on transcript NM_014336.5 (MANE Select); the canonical splice donor site of the intron after coding-DNA position 465, G replaced by A.
Molecular consequence: splice donor variant. On other transcripts: intron variant (1).
Genome position (GRCh38, 1-based): chr17:6,428,317, C>T on the plus strand (G>A on the coding strand, the complement: AIPL1 is on the minus strand). VCF-style: chr17-6428317-C-T. GRCh37 (hg19) VCF-style: chr17-6331637-C-T.
Other names: c.285+1G>A (NM_001033055.3); c.399+1G>A (NM_001285400.3); c.429+1G>A (NM_001285399.3); c.277-1260G>A (NM_001033054.3); c.465+1G>A (NM_001285401.3, NM_001285403.4); c.348+1G>A (NM_001285402.2).
Identifiers: ClinVar variation 1303111 (VCV001303111.9), dbSNP rs887335730, ClinGen allele CA287325547.